The following is an entry in ClinVar:

NM_006231.4(POLE):c.5489C>A (p.Ser1830Tyr)

Gene: POLE (DNA polymerase epsilon, catalytic subunit; minus strand). Cytogenetic location: 12q24.33.
Variant type: single nucleotide variant.
Coding change: c.5489C>A on transcript NM_006231.4 (MANE Select); coding-DNA position 5489, C replaced by A.
Protein change: p.Ser1830Tyr; replaces serine 1830 with tyrosine.
Molecular consequence: missense variant.
Genome position (GRCh38, 1-based): chr12:132,639,188, G>T on the plus strand (C>A on the coding strand, the complement: POLE is on the minus strand). VCF-style: chr12-132639188-G-T. GRCh37 (hg19) VCF-style: chr12-133215774-G-T.
Other names: short protein forms S1830Y.
Identifiers: ClinVar variation 3654922 (VCV003654922.2).

ClinVar aggregate classification (germline): Uncertain significance (1 of 4 stars; one submission).

Submission:

Labcorp Genetics (formerly Invitae), Labcorp
Classification: Uncertain significance. Last evaluated: 2024-05-29. Review status: criteria provided, single submitter. Criteria: Invitae Variant Classification Sherloc (09022015). Collection method: clinical testing. Allele origin: germline.
Comment: This sequence change replaces serine, which is neutral and polar, with tyrosine, which is neutral and polar, at codon 1830 of the POLE protein (p.Ser1830Tyr). This variant is not present in population databases (gnomAD no frequency). This variant has not been reported in the literature in individuals affected with POLE-related conditions. Advanced modeling of protein sequence and biophysical properties (such as structural, functional, and spatial information, amino acid conservation, physicochemical variation, residue mobility, and thermodynamic stability) performed at Invitae indicates that this missense variant is expected to disrupt POLE protein function with a positive predictive value of 80%. In summary, the available evidence is currently insufficient to determine the role of this variant in disease. Therefore, it has been classified as a Variant of Uncertain Significance.